The following is an entry in ClinVar:

NM_001301071.2(DOK7):c.1746G>A (p.Ala582=)

Gene: DOK7 (docking protein 7; plus strand). Cytogenetic location: 4p16.3.
Variant type: single nucleotide variant.
Coding change: c.1746G>A on transcript NM_001301071.2; coding-DNA position 1746, G replaced by A.
Protein change: p.Ala582=; no amino-acid change (alanine 582 retained).
Molecular consequence: synonymous variant.
Genome position (GRCh38, 1-based): chr4:3,500,744, G>A. VCF-style: chr4-3500744-G-A. GRCh37 (hg19) VCF-style: chr4-3502471-G-A.
Other names: c.1314G>A, p.Ala438= (NM_001363811.2).
Identifiers: ClinVar variation 3037313 (VCV003037313.2), dbSNP rs536814911, ClinGen allele CA2829654.
Genomic context (GRCh38, chr4:3,500,744, plus strand): 5'-TCTTTCAGGGGCTGGCGCCTCCCTCTACGCCCAGATCGACATCATGGCCACCGAGACGGC[G>A]CACAGAGTGGGGGTGCGGCACGCACGGGCCCGGGAGGAGCAGCTGTCGGAGCTGGAGCAG-3'

ClinVar aggregate classification (germline): Likely benign (0 of 4 stars; one submission).

Conditions:
DOK7-related disorder. Also called: DOK7-related condition.

Allele frequency attached by ClinVar (database versions not stated): 1000 Genomes Project 30x 0.00062; ExAC 0.00008; TOPMed 0.00065; 1000 Genomes Project 0.00020; gnomAD 0.00061; gnomAD exomes 0.00013.
gnomAD v4.1: 280 of 1,535,442 alleles (0.018%); highest among the groups gnomAD compares: African/African-American, 0.19%; 1 homozygote.

Submission:

PreventionGenetics, part of Exact Sciences
Classification: Likely benign for DOK7-related condition. Last evaluated: 2019-04-23. Review status: no assertion criteria provided. Collection method: clinical testing. Allele origin: germline.
Comment: This variant is classified as likely benign based on ACMG/AMP sequence variant interpretation guidelines (Richards et al. 2015 PMID: 25741868, with internal and published modifications).